The following is an entry in ClinVar:

ClinVar aggregate classification (germline): Uncertain significance. Review status: criteria provided, multiple submitters, no conflicts (2 of 4 stars). 3 submissions from 3 submitters: Uncertain significance (3). Last evaluated 2021-09-01.

Conditions:
Classic homocystinuria. Also called: Homocystinuria due to Cystathionine Beta-Synthase Deficiency; Homocystinuria due to CBS deficiency; Cystathionine beta-synthase deficiency; CBS deficiency; HOMOCYSTINURIA WITH OR WITHOUT RESPONSE TO PYRIDOXINE. Identifiers: Orphanet 394, MedGen C0751202, MONDO:0009352, OMIM 236200.
HYPERHOMOCYSTEINEMIA, THROMBOTIC, CBS-RELATED. Identifiers: MedGen C3150344, OMIM 236200.

Allele frequency attached by ClinVar (database versions not stated): ESP Exome Variant Server 0.00008.

Submissions (3):

Labcorp Genetics (formerly Invitae), Labcorp
Classification: Uncertain significance for HYPERHOMOCYSTEINEMIA, THROMBOTIC, CBS-RELATED. Last evaluated: 2021-09-01. Review status: criteria provided, single submitter. Criteria: Invitae Variant Classification Sherloc (09022015). Collection method: clinical testing. Allele origin: germline.
Comment: This sequence change replaces alanine with valine at codon 361 of the CBS protein (p.Ala361Val). The alanine residue is moderately conserved and there is a small physicochemical difference between alanine and valine. This variant is not present in population databases (ExAC no frequency). This variant has not been reported in the literature in individuals affected with CBS-related conditions. ClinVar contains an entry for this variant (Variation ID: 487458). Algorithms developed to predict the effect of missense changes on protein structure and function are either unavailable or do not agree on the potential impact of this missense change (SIFT: "Tolerated"; PolyPhen-2: "Possibly Damaging"; Align-GVGD: "Class C0"). In summary, the available evidence is currently insufficient to determine the role of this variant in disease. Therefore, it has been classified as a Variant of Uncertain Significance.

Blueprint Genetics
Classification: Uncertain significance. Last evaluated: 2020-03-09. Review status: criteria provided, single submitter. Criteria: ACMG Guidelines, 2015. Collection method: clinical testing. Allele origin: germline.

Center for Genomics, Ann and Robert H. Lurie Children's Hospital of Chicago
Classification: Uncertain significance for Classic homocystinuria. Last evaluated: 2017-08-01. Review status: criteria provided, single submitter. Criteria: ACMG Guidelines, 2015. Collection method: clinical testing. Allele origin: germline.
Comment: CBS NM_000071.2 exon12 p.Ala361Val (c.1082C>T): This variant has not been reported in the literature and is not present in large control databases. Evolutionary conservation and computational predictive tools suggest that this variant may impact the protein. In summary, data on this variant is insufficient for disease classification. Therefore, the clinical significance of this variant is uncertain.

NM_000071.3(CBS):c.1082C>T (p.Ala361Val)

Gene: CBS (cystathionine beta-synthase; minus strand). Cytogenetic location: 21q22.3.
Variant type: single nucleotide variant.
Coding change: c.1082C>T on transcript NM_000071.3 (MANE Select); coding-DNA position 1082, C replaced by T.
Protein change: p.Ala361Val; replaces alanine 361 with valine.
Molecular consequence: missense variant.
Genome position (GRCh38, 1-based): chr21:43,060,504, G>A on the plus strand (C>T on the coding strand, the complement: CBS is on the minus strand). VCF-style: chr21-43060504-G-A. GRCh37 (hg19) VCF-style: chr21-44480614-G-A.
Other names: c.1082C>T, p.Ala361Val (NM_001178008.3, NM_001178009.3, NM_001320298.2); c.767C>T, p.Ala256Val (NM_001321072.1); short protein forms A361V, A256V.
Identifiers: ClinVar variation 487458 (VCV000487458.8), dbSNP rs370851632, ClinGen allele CA321689756.